The following is an entry in ClinVar:

ClinVar aggregate classification (germline): Uncertain significance (1 of 4 stars; one submission).

Conditions:
Hereditary breast ovarian cancer syndrome. Also called: Hereditary breast and ovarian cancer syndrome; Hereditary breast and ovarian cancer syndrome (HBOC); BRCA1- and BRCA2-Associated Hereditary Breast and Ovarian Cancer; Hereditary breast and ovarian cancer; Breast and ovarian cancer; Hereditary breast and/or ovarian cancer syndrome. Identifiers: Orphanet 145, MedGen C0677776, MeSH D061325, MONDO:0003582. Disease mechanism: loss of function.

Submission:

Labcorp Genetics (formerly Invitae), Labcorp
Classification: Uncertain significance for Hereditary breast ovarian cancer syndrome. Last evaluated: 2024-11-04. Review status: criteria provided, single submitter. Criteria: Invitae Variant Classification Sherloc (09022015). Collection method: clinical testing. Allele origin: germline.
Comment: This sequence change replaces proline, which is neutral and non-polar, with histidine, which is basic and polar, at codon 1613 of the BRCA2 protein (p.Pro1613His). This variant is not present in population databases (gnomAD no frequency). This variant has not been reported in the literature in individuals affected with BRCA2-related conditions. Invitae Evidence Modeling of protein sequence and biophysical properties (such as structural, functional, and spatial information, amino acid conservation, physicochemical variation, residue mobility, and thermodynamic stability) indicates that this missense variant is not expected to disrupt BRCA2 protein function with a negative predictive value of 95%. In summary, the available evidence is currently insufficient to determine the role of this variant in disease. Therefore, it has been classified as a Variant of Uncertain Significance.

NM_000059.4(BRCA2):c.4838C>A (p.Pro1613His)

Gene: BRCA2 (BRCA2 DNA repair associated; plus strand). Cytogenetic location: 13q13.1.
Variant type: single nucleotide variant.
Coding change: c.4838C>A on transcript NM_000059.4 (MANE Select); coding-DNA position 4838, C replaced by A.
Protein change: p.Pro1613His; replaces proline 1613 with histidine.
Molecular consequence: missense variant. On other transcripts: non-coding transcript variant (1), intron variant (2).
Genome position (GRCh38, 1-based): chr13:32,339,193, C>A. VCF-style: chr13-32339193-C-A. GRCh37 (hg19) VCF-style: chr13-32913330-C-A.
Other names: c.4838C>A, p.Pro1613His (NM_001406719.1, NM_001406720.1, NM_001432077.1); c.1910-5365C>A (NM_001406721.1); c.425-5365C>A (NM_001406722.1); short protein forms P1613H.
Identifiers: ClinVar variation 3636484 (VCV003636484.2).
Genomic context (GRCh38, chr13:32,339,193, plus strand): 5'-AAATGCAGAATTCTCTCAATAATGATAAAAACCTTGTTTCTATTGAGACTGTGGTGCCAC[C>A]TAAGCTCTTAAGTGATAATTTATGTAGACAAACTGAAAATCTCAAAACATCAAAAAGTAT-3'
Protein context (NP_000050.3, residues 1603-1623): NLVSIETVVP[Pro1613His]KLLSDNLCRQ